The following is an entry in ClinVar:

NM_005422.4(TECTA):c.4428G>A (p.Val1476=)

Genes: TBCEL-TECTA (TBCEL-TECTA readthrough; plus strand), TECTA (tectorin alpha; plus strand). Cytogenetic location: 11q23.3.
Variant type: single nucleotide variant.
Coding change: c.4428G>A on transcript NM_005422.4 (MANE Select); coding-DNA position 4428, G replaced by A.
Protein change: p.Val1476=; no amino-acid change (valine 1476 retained).
Molecular consequence: synonymous variant.
Genome position (GRCh38, 1-based): chr11:121,157,963, G>A. VCF-style: chr11-121157963-G-A. GRCh37 (hg19) VCF-style: chr11-121028672-G-A.
Other names: c.5385G>A, p.Val1795= (NM_001378761.1).
Identifiers: ClinVar variation 3696058 (VCV003696058.4).

ClinVar aggregate classification (germline): Likely benign. Review status: criteria provided, multiple submitters, no conflicts (2 of 4 stars). 2 submissions from 2 submitters: Likely benign (2). Last evaluated 2026-06-01.

gnomAD v4.1: 17 of 1,613,580 alleles (0.0011%); highest among the groups gnomAD compares: Admixed American, 0.0033%; no homozygotes.

Submissions (2):

CeGaT Center for Human Genetics Tuebingen
Classification: Likely benign. Last evaluated: 2026-06-01. Review status: criteria provided, single submitter. Criteria: CeGaT Center For Human Genetics Tuebingen Variant Classification Criteria Version 2. Collection method: clinical testing. Allele origin: germline. Affected: yes. Observed: 1 variant allele.
Comment: TECTA: BP4, BP7

Labcorp Genetics (formerly Invitae), Labcorp
Classification: Likely benign. Last evaluated: 2025-04-26. Review status: criteria provided, single submitter. Criteria: Invitae Variant Classification Sherloc (09022015). Collection method: clinical testing. Allele origin: germline.